The following is an entry in ClinVar:

NM_138694.4(PKHD1):c.1953_1964delCAGCCCCGAGAG (p.Ser652_Ser655del)

Gene: PKHD1 (PKHD1 ciliary IPT domain containing fibrocystin/polyductin; minus strand). Cytogenetic location: 6p12.2.
Variant type: Deletion.
Coding change: c.1953_1964delCAGCCCCGAGAG on transcript NM_138694.4 (MANE Select); coding-DNA positions 1953 to 1964, 12 bases deleted (CAGCCCCGAGAG).
Protein change: p.Ser652_Ser655del.
Molecular consequence: inframe deletion.
Genome position (GRCh38, 1-based): chr6:52,054,038-52,054,049, CTCTCGGGGCTG deleted on the plus strand (CAGCCCCGAGAG on the coding strand, the reverse complement: PKHD1 is on the minus strand). VCF-style (leftmost placement, unchanged base first): chr6-52054037-CCTCTCGGGGCTG-C. GRCh37 (hg19) VCF-style: chr6-51918835-CCTCTCGGGGCTG-C.
Other names: c.1953_1964delCAGCCCCGAGAG, p.Ser652_Ser655del (NM_170724.3).
Identifiers: ClinVar variation 2827283 (VCV002827283.3), dbSNP rs2533285255, ClinGen allele CA2739273080.

ClinVar aggregate classification (germline): Uncertain significance (1 of 4 stars; one submission).

Conditions:
Autosomal recessive polycystic kidney disease (ARPKD). Also called: AR polycystic kidney disease. Identifiers: Orphanet 731, Orphanet 8378, MedGen C0085548, MeSH D017044, MONDO:0009889.

Submission:

Labcorp Genetics (formerly Invitae), Labcorp
Classification: Uncertain significance for Autosomal recessive polycystic kidney disease. Last evaluated: 2024-10-17. Review status: criteria provided, single submitter. Criteria: Invitae Variant Classification Sherloc (09022015). Collection method: clinical testing. Allele origin: germline.
Comment: This variant, c.1953_1964del, results in the deletion of 4 amino acid(s) of the PKHD1 protein (p.Ser652_Ser655del), but otherwise preserves the integrity of the reading frame. This variant is not present in population databases (gnomAD no frequency). This variant has not been reported in the literature in individuals affected with PKHD1-related conditions. Algorithms developed to predict the effect of sequence changes on RNA splicing suggest that this variant may disrupt the consensus splice site. In summary, the available evidence is currently insufficient to determine the role of this variant in disease. Therefore, it has been classified as a Variant of Uncertain Significance.